The following is an entry in ClinVar:

NM_004360.5(CDH1):c.2386dup (p.Arg796fs)

Gene: CDH1 (cadherin 1; plus strand). Cytogenetic location: 16q22.1.
Variant type: Duplication.
Coding change: c.2386dup on transcript NM_004360.5 (MANE Select); coding-DNA position 2386, one base duplicated (C; older notation c.2386dupC).
Protein change: p.Arg796fs; shifts the reading frame from arginine 796.
Molecular consequence: frameshift variant.
Genome position (GRCh38, 1-based): chr16:68,829,744, C duplicated; the last of 5 consecutive C bases (chr16:68,829,740-68,829,744); duplicating any one gives the same sequence. VCF-style (leftmost placement, unchanged base first): chr16-68829739-T-TC. GRCh37 (hg19) VCF-style: chr16-68863642-T-TC.
Other names: c.2386dupC (NM_004360.3); c.2203dup, p.Arg735fs (NM_001317184.2); c.838dup, p.Arg280fs (NM_001317185.2); c.421dup, p.Arg141fs (NM_001317186.2); short protein forms R141fs, R735fs, R280fs, R796fs.
Identifiers: ClinVar variation 12236 (VCV000012236.22), dbSNP rs1375617541, ClinGen allele CA723143791.

ClinVar aggregate classification (germline): Likely pathogenic. Review status: reviewed by expert panel (3 of 4 stars). 7 submissions from 7 submitters: Likely pathogenic (1). 6 of the submissions do not count toward it. Last evaluated 2024-03-28.

Conditions:
CDH1-related diffuse gastric and lobular breast cancer syndrome. Also called: CDH1-related diffuse gastric and lobular breast cancer. Identifiers: MedGen CN311521, MONDO:0100488.
Hereditary cancer-predisposing syndrome. Also called: Hereditary neoplastic syndrome; Neoplastic Syndromes, Hereditary; Tumor predisposition; Hereditary Cancer Syndrome. Identifiers: Orphanet 140162, MedGen C0027672, MeSH D009386, MONDO:0015356.
Hereditary diffuse gastric adenocarcinoma (HDGC). Also called: DIFFUSE GASTRIC AND LOBULAR BREAST CANCER SYNDROME. Identifiers: Orphanet 26106, MedGen C1708349, MONDO:0007648, OMIM 137215.
Familial cancer of breast. Also called: Hereditary breast cancer; BREAST CANCER, FAMILIAL; hereditary breast carcinoma. Identifiers: Orphanet 227535, MedGen C0346153, MONDO:0016419, OMIM 114480. Disease mechanism: loss of function.

Submissions (7):

Clingen Gastric Cancer Variant Curation Expert Panel
Classification: Likely pathogenic for CDH1-related diffuse gastric and lobular breast cancer syndrome. Last evaluated: 2024-03-28. Review status: reviewed by expert panel. Criteria: ClinGen CDH1 ACMG Specifications V3.1. Collection method: curation. Allele origin: germline. Inheritance: Autosomal dominant inheritance.
Comment: The c.2265T>A p.(Arg796Profs*11) variant is predicted to result in a premature stop codon that leads to a truncated protein (disrupting the last 87 amino acid residues of the CDH1 protein), and is located within the nonsense-mediated decay resistance region (downstream of aa 795) upstream of c.2506G>T p.(Glu836*) variant (PVS1_strong). This variant has been reported in at least one family meeting HDGC clinical criteria (PS4_Supporting; PMID: 9537325). The variant is absent in the gnomAD cohort (PM2_Supporting). In summary, this variant meets criteria to be classified as likely pathogenic based on the ACMG/AMP criteria applied as specified by the CDH1 Variant Curation Expert Panel (Variant Interpretation Guidelines Version 3.1): PVS1_Strong, PM2_Supporting, PS4_Supporting.

Labcorp Genetics (formerly Invitae), Labcorp
Classification: Pathogenic for Hereditary diffuse gastric adenocarcinoma. Last evaluated: 2024-06-25. Review status: criteria provided, single submitter. Criteria: Invitae Variant Classification Sherloc (09022015). Collection method: clinical testing. Allele origin: germline. Not counted in ClinVar's aggregate classification.
Comment: This sequence change creates a premature translational stop signal (p.Arg796Profs*11) in the CDH1 gene. While this is not anticipated to result in nonsense mediated decay, it is expected to disrupt the last 87 amino acid(s) of the CDH1 protein. This variant is not present in population databases (gnomAD no frequency). This premature translational stop signal has been observed in individuals with lobular breast cancer and diffuse gastric cancer (PMID: 9537325, 23709761, 29589180). This variant is also known as c.2381_2386insC. ClinVar contains an entry for this variant (Variation ID: 12236). This variant disrupts a region of the CDH1 protein in which other variant(s) (p.Phe810Leufs*6) have been determined to be pathogenic (PMID: 26182300; Invitae). This suggests that this is a clinically significant region of the protein, and that variants that disrupt it are likely to be disease-causing. For these reasons, this variant has been classified as Pathogenic.

Baylor Genetics
Classification: Pathogenic for Familial cancer of breast. Last evaluated: 2023-08-21. Review status: criteria provided, single submitter. Criteria: ACMG Guidelines, 2015. Collection method: clinical testing. Allele origin: unknown. Not counted in ClinVar's aggregate classification.

Myriad Genetics, Inc.
Classification: Pathogenic for Hereditary diffuse gastric adenocarcinoma. Last evaluated: 2023-06-15. Review status: criteria provided, single submitter. Criteria: Myriad Autosomal Dominant, Autosomal Recessive and X-Linked Classification Criteria (2023). Collection method: clinical testing. Allele origin: unknown. Not counted in ClinVar's aggregate classification.
Comment: This variant is considered pathogenic. This variant creates a frameshift predicted to result in premature protein truncation.

Ambry Genetics
Classification: Pathogenic for Hereditary cancer-predisposing syndrome. Last evaluated: 2021-07-12. Review status: criteria provided, single submitter. Criteria: Ambry Variant Classification Scheme 2023. Collection method: clinical testing. Allele origin: germline. Not counted in ClinVar's aggregate classification.
Comment: The c.2386dupC pathogenic mutation, located in coding exon 15 of the CDH1 gene, results from a duplication of C at nucleotide position 2386, causing a translational frameshift with a predicted alternate stop codon (p.R796Pfs*11). This alteration has been identified a family affected with diffuse gastric cancer (Guilford P et al. Nature, 1998 Mar;392:402-5). This alteration occurs at the 3' terminus of CDH1 gene, is not expected to trigger nonsense-mediated mRNA decay, and only impacts the last 87 amino acids of the protein. However, premature stop codons are typically deleterious in nature and the impacted region is critical for protein function. Based on the supporting evidence, this alteration is interpreted as a disease-causing mutation.

Color Diagnostics, LLC DBA Color Health
Classification: Pathogenic for Hereditary cancer-predisposing syndrome. Last evaluated: 2021-03-12. Review status: criteria provided, single submitter. Criteria: ACMG Guidelines, 2015. Collection method: clinical testing. Allele origin: germline. Not counted in ClinVar's aggregate classification.
Comment: This variant inserts 1 nucleotide in exon 15 of the CDH1 gene, creating a frameshift and premature translation stop signal. This variant truncates the last 87 amino acid residues of the CDH1 protein and is expected to result in an absent or non-functional protein product. This variant has been reported in individuals affected with diffuse gastric cancer and lobular breast cancer in the literature (PMID: 9537325, 23709761, 29589180). This variant has not been identified in the general population by the Genome Aggregation Database (gnomAD). Loss of CDH1 function is a known mechanism of disease. Based on the available evidence, this variant is classified as Pathogenic.

OMIM
Classification: Pathogenic for DIFFUSE GASTRIC AND LOBULAR BREAST CANCER SYNDROME. Last evaluated: 1998-03-26. Review status: no assertion criteria provided. Collection method: literature only. Allele origin: germline. Not counted in ClinVar's aggregate classification.

Literature cited by the submitters: PubMed 9537325 (cited by 4 submitters); PubMed 23709761 (cited by Labcorp Genetics (formerly Invitae), Labcorp); PubMed 29589180 (cited by Labcorp Genetics (formerly Invitae), Labcorp and Ambry Genetics); PubMed 26182300 (cited by Labcorp Genetics (formerly Invitae), Labcorp).